The following is an entry in ClinVar:

NM_005216.5(DDOST):c.635C>T (p.Pro212Leu)

Gene: DDOST (dolichyl-diphosphooligosaccharide--protein glycosyltransferase non-catalytic subunit; minus strand). Cytogenetic location: 1p36.12.
Variant type: single nucleotide variant.
Coding change: c.635C>T on transcript NM_005216.5 (MANE Select); coding-DNA position 635, C replaced by T.
Protein change: p.Pro212Leu; replaces proline 212 with leucine.
Molecular consequence: missense variant.
Genome position (GRCh38, 1-based): chr1:20,654,624, G>A on the plus strand (C>T on the coding strand, the complement: DDOST is on the minus strand). VCF-style: chr1-20654624-G-A. GRCh37 (hg19) VCF-style: chr1-20981117-G-A.
Other names: short protein forms P212L.
Identifiers: ClinVar variation 1924179 (VCV001924179.4), dbSNP rs765199287, ClinGen allele CA661167.

ClinVar aggregate classification (germline): Uncertain significance (1 of 4 stars; one submission).

Conditions:
Congenital disorder of glycosylation type Ir (CDG1R). Also called: DDOST-congenital disorder of glycosylation. Identifiers: Orphanet 300536, MedGen C3281084, MONDO:0013789, OMIM 614507.

Allele frequency attached by ClinVar (database versions not stated): ExAC 0.00013; gnomAD 0.00001; TOPMed 0.00001.
gnomAD v4.1: 12 of 1,562,226 alleles (0.00077%); highest among the groups gnomAD compares: Admixed American, 0.021%; no homozygotes.

Submission:

Labcorp Genetics (formerly Invitae), Labcorp
Classification: Uncertain significance for Congenital disorder of glycosylation type Ir. Last evaluated: 2022-08-22. Review status: criteria provided, single submitter. Criteria: Invitae Variant Classification Sherloc (09022015). Collection method: clinical testing. Allele origin: germline.
Comment: Algorithms developed to predict the effect of missense changes on protein structure and function (SIFT, PolyPhen-2, Align-GVGD) all suggest that this variant is likely to be tolerated. In summary, the available evidence is currently insufficient to determine the role of this variant in disease. Therefore, it has been classified as a Variant of Uncertain Significance. This variant has not been reported in the literature in individuals affected with DDOST-related conditions. This sequence change replaces proline, which is neutral and non-polar, with leucine, which is neutral and non-polar, at codon 229 of the DDOST protein (p.Pro229Leu). This variant is present in population databases (rs765199287, gnomAD 0.03%).